The following is an entry in ClinVar:

NM_000163.5(GHR):c.1006T>C (p.Phe336Leu)

Gene: GHR (growth hormone receptor; plus strand). Cytogenetic location: 5p12.
Variant type: single nucleotide variant.
Coding change: c.1006T>C on transcript NM_000163.5 (MANE Select); coding-DNA position 1006, T replaced by C.
Protein change: p.Phe336Leu; replaces phenylalanine 336 with leucine.
Molecular consequence: missense variant. On other transcripts: 3 prime UTR variant (1).
Genome position (GRCh38, 1-based): chr5:42,718,513, T>C. VCF-style: chr5-42718513-T-C. GRCh37 (hg19) VCF-style: chr5-42718615-T-C.
Other names: c.1027T>C, p.Phe343Leu (NM_001242399.2); c.1006T>C, p.Phe336Leu (NM_001242400.2, NM_001242401.4, NM_001242402.2 and 4 more transcripts); c.940T>C, p.Phe314Leu (NM_001242460.2); c.*48T>C (NM_001242462.1); short protein forms F336L, F343L, F314L.
Identifiers: ClinVar variation 3715027 (VCV003715027.2).

ClinVar aggregate classification (germline): Uncertain significance (1 of 4 stars; one submission).

gnomAD v4.1: 9 of 1,612,868 alleles (0.00056%); highest among the groups gnomAD compares: African/African-American, 0.0013%; no homozygotes.

Submission:

Labcorp Genetics (formerly Invitae), Labcorp
Classification: Uncertain significance. Last evaluated: 2025-06-15. Review status: criteria provided, single submitter. Criteria: Invitae Variant Classification Sherloc (09022015). Collection method: clinical testing. Allele origin: germline.
Comment: This sequence change replaces phenylalanine, which is neutral and non-polar, with leucine, which is neutral and non-polar, at codon 336 of the GHR protein (p.Phe336Leu). This variant is present in population databases (rs750618319, gnomAD 0.003%). This variant has not been reported in the literature in individuals affected with GHR-related conditions. ClinVar contains an entry for this variant (Variation ID: 3715027). Invitae Evidence Modeling of protein sequence and biophysical properties (such as structural, functional, and spatial information, amino acid conservation, physicochemical variation, residue mobility, and thermodynamic stability) indicates that this missense variant is not expected to disrupt GHR protein function with a negative predictive value of 95%. In summary, the available evidence is currently insufficient to determine the role of this variant in disease. Therefore, it has been classified as a Variant of Uncertain Significance.